The following is an entry in ClinVar:

NM_005559.4(LAMA1):c.3272A>G (p.Asp1091Gly)

Gene: LAMA1 (laminin subunit alpha 1; minus strand). Cytogenetic location: 18p11.31.
Variant type: single nucleotide variant.
Coding change: c.3272A>G on transcript NM_005559.4 (MANE Select); coding-DNA position 3272, A replaced by G.
Protein change: p.Asp1091Gly; replaces aspartic acid 1091 with glycine.
Molecular consequence: missense variant.
Genome position (GRCh38, 1-based): chr18:7,013,906, T>C on the plus strand (A>G on the coding strand, the complement: LAMA1 is on the minus strand). VCF-style: chr18-7013906-T-C. GRCh37 (hg19) VCF-style: chr18-7013905-T-C.
Other names: short protein forms D1091G.
Identifiers: ClinVar variation 1432953 (VCV001432953.7), dbSNP rs2144121334, ClinGen allele CA401850060.

ClinVar aggregate classification (germline): Uncertain significance. Review status: criteria provided, single submitter (1 of 4 stars). 2 submissions from 2 submitters: Uncertain significance (1). 1 of the submissions does not count toward it. Last evaluated 2023-08-30.

Conditions:
Retinal dystrophy. Also called: Inherited retinal dystrophy. Identifiers: Orphanet 71862, MedGen C0854723, MeSH D058499, MONDO:0019118, HP:0000556.

gnomAD v4.1: 5 of 1,613,654 alleles (0.00031%); highest among the groups gnomAD compares: Non-Finnish European, 0.00042%; no homozygotes.

Submissions (2):

Labcorp Genetics (formerly Invitae), Labcorp
Classification: Uncertain significance. Last evaluated: 2023-08-30. Review status: criteria provided, single submitter. Criteria: Invitae Variant Classification Sherloc (09022015). Collection method: clinical testing. Allele origin: germline.
Comment: This variant is not present in population databases (gnomAD no frequency). This sequence change replaces aspartic acid, which is acidic and polar, with glycine, which is neutral and non-polar, at codon 1091 of the LAMA1 protein (p.Asp1091Gly). This variant has not been reported in the literature in individuals affected with LAMA1-related conditions. In summary, the available evidence is currently insufficient to determine the role of this variant in disease. Therefore, it has been classified as a Variant of Uncertain Significance. Advanced modeling of protein sequence and biophysical properties (such as structural, functional, and spatial information, amino acid conservation, physicochemical variation, residue mobility, and thermodynamic stability) performed at Invitae indicates that this missense variant is not expected to disrupt LAMA1 protein function. ClinVar contains an entry for this variant (Variation ID: 1432953).

Institute of Human Genetics, Univ. Regensburg, Univ. Regensburg
Classification: Uncertain significance for Retinal dystrophy. Last evaluated: 2022-01-01. Review status: no assertion criteria provided. Criteria: ACMG Guidelines, 2015. Collection method: clinical testing. Allele origin: germline. Affected: yes. Not counted in ClinVar's aggregate classification.